The following is an entry in ClinVar:

NM_003128.3(SPTBN1):c.6063G>C (p.Gln2021His)

Gene: SPTBN1 (spectrin beta, non-erythrocytic 1; plus strand). Cytogenetic location: 2p16.2.
Variant type: single nucleotide variant.
Coding change: c.6063G>C on transcript NM_003128.3 (MANE Select); coding-DNA position 6063, G replaced by C.
Protein change: p.Gln2021His; replaces glutamine 2021 with histidine.
Molecular consequence: missense variant.
Genome position (GRCh38, 1-based): chr2:54,657,866, G>C. VCF-style: chr2-54657866-G-C. GRCh37 (hg19) VCF-style: chr2-54885003-G-C.
Other names: c.6024G>C, p.Gln2008His (NM_178313.3); short protein forms Q2008H, Q2021H.
Identifiers: ClinVar variation 3665573 (VCV003665573.2).
Genomic context (GRCh38, chr2:54,657,866, plus strand): 5'-GCACCTCCTGGTCAACGTGTACTAACTCATGGTACCCTGTGCAGTTCTGGAGGTCCATCA[G>C]TTCTCAAGAGACGCCAGTGTGGCCGAGGCCTGGCTGCTTGGACAGGAGCCGTACCTATCC-3'
Protein context (NP_003119.2, residues 2011-2031): EWLRLILEVH[Gln2021His]FSRDASVAEA

ClinVar aggregate classification (germline): Uncertain significance (1 of 4 stars; one submission).

Submission:

Labcorp Genetics (formerly Invitae), Labcorp
Classification: Uncertain significance. Last evaluated: 2024-10-24. Review status: criteria provided, single submitter. Criteria: Invitae Variant Classification Sherloc (09022015). Collection method: clinical testing. Allele origin: germline.
Comment: This sequence change replaces glutamine, which is neutral and polar, with histidine, which is basic and polar, at codon 2021 of the SPTBN1 protein (p.Gln2021His). This variant is not present in population databases (gnomAD no frequency). This variant has not been reported in the literature in individuals affected with SPTBN1-related conditions. Invitae Evidence Modeling of protein sequence and biophysical properties (such as structural, functional, and spatial information, amino acid conservation, physicochemical variation, residue mobility, and thermodynamic stability) indicates that this missense variant is not expected to disrupt SPTBN1 protein function with a negative predictive value of 80%. In summary, the available evidence is currently insufficient to determine the role of this variant in disease. Therefore, it has been classified as a Variant of Uncertain Significance.